The following is an entry in ClinVar:

ClinVar aggregate classification (germline): Benign/Likely benign. Review status: criteria provided, multiple submitters, no conflicts (2 of 4 stars). 3 submissions from 3 submitters: Benign (1); Likely benign (2). Last evaluated 2025-05-01.

Allele frequency attached by ClinVar (database versions not stated): ExAC 0.00001; gnomAD exomes 0.00001 and 0.00003; gnomAD 0.00005 and 0.00007; TOPMed 0.00006.
gnomAD v4.1: 42 of 1,205,540 alleles (0.0035%); highest among the groups gnomAD compares: East Asian, 0.036%; no homozygotes.

Submissions (3):

CeGaT Center for Human Genetics Tuebingen
Classification: Likely benign. Last evaluated: 2025-05-01. Review status: criteria provided, single submitter. Criteria: CeGaT Center For Human Genetics Tuebingen Variant Classification Criteria Version 2. Collection method: clinical testing. Allele origin: germline. Affected: yes. Observed: 1 variant allele.
Comment: THOC2: BP4, BP7, BS2

Blueprint Genetics
Classification: Likely benign. Last evaluated: 2024-06-10. Review status: criteria provided, single submitter. Criteria: ACMG Guidelines, 2015. Collection method: clinical testing. Allele origin: germline.

Labcorp Genetics (formerly Invitae), Labcorp
Classification: Benign. Last evaluated: 2019-12-31. Review status: criteria provided, single submitter. Criteria: Invitae Variant Classification Sherloc (09022015). Collection method: clinical testing. Allele origin: germline.

NM_001081550.2(THOC2):c.2307C>G (p.Leu769=)

Gene: THOC2 (THO complex subunit 2; minus strand). Cytogenetic location: Xq25.
Variant type: single nucleotide variant.
Coding change: c.2307C>G on transcript NM_001081550.2 (MANE Select); coding-DNA position 2307, C replaced by G.
Protein change: p.Leu769=; no amino-acid change (leucine 769 retained).
Molecular consequence: synonymous variant.
Genome position (GRCh38, 1-based): chrX:123,632,870, G>C on the plus strand (C>G on the coding strand, the complement: THOC2 is on the minus strand). VCF-style: chrX-123632870-G-C. GRCh37 (hg19) VCF-style: chrX-122766721-G-C.
Identifiers: ClinVar variation 740537 (VCV000740537.15), dbSNP rs373608603, ClinGen allele CA10507602.
Genomic context (GRCh38, chrX:123,632,870, plus strand): 5'-TTTAACAGGATTAAAAACATGTACATAAACATAAAAGCCACTTTAACTTGCCTGGTCATA[G>C]AGCTTTCCCACAAGTTTCAAATGTTTCTCTCCACCTTCCTGAAAGATTACCCCATTTCTC-3'
Protein context (NP_001075019.1, residues 759-779): GEKHLKLVGK[Leu769=]YDQCHDTLVQ